The following is an entry in ClinVar:

NM_001454.4(FOXJ1):c.844del (p.Val282fs)

Gene: FOXJ1 (forkhead box J1; minus strand). Cytogenetic location: 17q25.1.
Variant type: Deletion.
Coding change: c.844del on transcript NM_001454.4 (MANE Select); coding-DNA position 844, one base deleted (G; older notation c.844delG).
Protein change: p.Val282fs; shifts the reading frame from valine 282.
Molecular consequence: frameshift variant.
Genome position (GRCh38, 1-based): chr17:76,137,775, C deleted on the plus strand (G on the coding strand, the reverse complement: FOXJ1 is on the minus strand); the first of 3 consecutive C bases (chr17:76,137,775-76,137,777); deleting any one gives the same sequence. VCF-style (leftmost placement, unchanged base first): chr17-76137774-AC-A. GRCh37 (hg19) VCF-style: chr17-74133855-AC-A.
Other names: short protein forms V282fs.
Identifiers: ClinVar variation 5001139 (VCV005001139.1).

ClinVar aggregate classification (germline): Likely pathogenic (1 of 4 stars; one submission).

Conditions:
FOXJ1-related disorder. Also called: FOXJ1-related condition.

Submission:

PreventionGenetics, part of Exact Sciences
Classification: Likely pathogenic for FOXJ1-related condition. Last evaluated: 2024-12-21. Review status: criteria provided, single submitter. Criteria: ACMG Guidelines, 2015. Collection method: clinical testing. Allele origin: germline.
Comment: The FOXJ1 c.844delG variant is predicted to result in a frameshift and premature protein termination (p.Val282Trpfs*51). To our knowledge, this variant has not been reported in the literature or in a large population database (gnomAD), indicating this variant is rare. Frameshift variants in FOXJ1 are expected to be pathogenic. This variant is interpreted as likely pathogenic.